The following is an entry in ClinVar:

ClinVar aggregate classification (germline): Uncertain significance (1 of 4 stars; one submission).

Submission:

Labcorp Genetics (formerly Invitae), Labcorp
Classification: Uncertain significance. Last evaluated: 2021-11-09. Review status: criteria provided, single submitter. Criteria: Invitae Variant Classification Sherloc (09022015). Collection method: clinical testing. Allele origin: germline.
Comment: This sequence change replaces valine, which is neutral and non-polar, with glycine, which is neutral and non-polar, at codon 2042 of the ABCA4 protein (p.Val2042Gly). Information on the frequency of this variant in the gnomAD database is not available, as this variant may be reported differently in the database. This missense change has been observed in individual(s) with Stargardt disease (PMID: 26780318). Algorithms developed to predict the effect of missense changes on protein structure and function are either unavailable or do not agree on the potential impact of this missense change (SIFT: "Not Available"; PolyPhen-2: "Probably Damaging"; Align-GVGD: "Not Available"). In summary, the available evidence is currently insufficient to determine the role of this variant in disease. Therefore, it has been classified as a Variant of Uncertain Significance.

Literature cited by the submitters: PubMed 26780318.

NM_000350.3(ABCA4):c.6125_6126delinsGT (p.Val2042Gly)

Gene: ABCA4 (ATP binding cassette subfamily A member 4; minus strand). Cytogenetic location: 1p22.1.
Variant type: Indel.
Coding change: c.6125_6126delinsGT on transcript NM_000350.3 (MANE Select); coding-DNA positions 6125 to 6126, TA replaced by GT.
Protein change: p.Val2042Gly; replaces valine 2042 with glycine.
Molecular consequence: missense variant.
Genome position (GRCh38, 1-based): chr1:94,005,462-94,005,463, TA replaced by AC on the plus strand (TA replaced by GT on the coding strand, the reverse complement: ABCA4 is on the minus strand). VCF-style: chr1-94005462-TA-AC. GRCh37 (hg19) VCF-style: chr1-94471018-TA-AC.
Other names: c.5903_5904delTAinsGT, p.Val1968Gly (NM_001425324.1); short protein forms V2042G, V1968G.
Identifiers: ClinVar variation 1414429 (VCV001414429.6), dbSNP rs2101000336, ClinGen allele CA2573132680.
Genomic context (GRCh38, chr1:94,005,462, plus strand): 5'-AACCAGACTCCTATGTGGCCACAACAAAACATTTTTCACCTTTTCGATTTCTTCTGCTGG[TA>AC]CACCTCGAAGCCGGGCATAAAGGTAAAGATGTTCTCGTCCTGTGAGCAGCTCATCAATTG-3'
Protein context (NP_000341.2, residues 2032-2052): HLYLYARLRG[Val2042Gly]PAEEIEKVAN